The following is an entry in ClinVar:

NM_003738.5(PTCH2):c.2290A>C (p.Ser764Arg)

Gene: PTCH2 (patched 2; minus strand). Cytogenetic location: 1p34.1.
Variant type: single nucleotide variant.
Coding change: c.2290A>C on transcript NM_003738.5 (MANE Select); coding-DNA position 2290, A replaced by C.
Protein change: p.Ser764Arg; replaces serine 764 with arginine.
Molecular consequence: missense variant.
Genome position (GRCh38, 1-based): chr1:44,827,483, T>G on the plus strand (A>C on the coding strand, the complement: PTCH2 is on the minus strand). VCF-style: chr1-44827483-T-G. GRCh37 (hg19) VCF-style: chr1-45293155-T-G.
Other names: c.2290A>C, p.Ser764Arg (NM_001166292.2); short protein forms S764R.
Identifiers: ClinVar variation 3674794 (VCV003674794.2).

ClinVar aggregate classification (germline): Uncertain significance (1 of 4 stars; one submission).

Conditions:
Gorlin syndrome. Also called: Basal cell nevus syndrome; Nevoid Basal Cell Carcinoma Syndrome. Identifiers: Orphanet 377, MedGen C0004779, MONDO:0007187.

gnomAD v4.1: 12 of 1,613,990 alleles (0.00074%); highest among the groups gnomAD compares: South Asian, 0.012%; no homozygotes.

Submission:

Labcorp Genetics (formerly Invitae), Labcorp
Classification: Uncertain significance for Gorlin syndrome. Last evaluated: 2024-04-27. Review status: criteria provided, single submitter. Criteria: Invitae Variant Classification Sherloc (09022015). Collection method: clinical testing. Allele origin: germline.
Comment: This sequence change replaces serine, which is neutral and polar, with arginine, which is basic and polar, at codon 764 of the PTCH2 protein (p.Ser764Arg). This variant is present in population databases (rs769359308, gnomAD 0.02%). This variant has not been reported in the literature in individuals affected with PTCH2-related conditions. Advanced modeling of protein sequence and biophysical properties (such as structural, functional, and spatial information, amino acid conservation, physicochemical variation, residue mobility, and thermodynamic stability) performed at Invitae indicates that this missense variant is not expected to disrupt PTCH2 protein function with a negative predictive value of 80%. In summary, the available evidence is currently insufficient to determine the role of this variant in disease. Therefore, it has been classified as a Variant of Uncertain Significance.